The following is an entry in ClinVar:

NM_001386298.1(CIC):c.5424del (p.Ala1809fs)

Gene: CIC (capicua transcriptional repressor; plus strand). Cytogenetic location: 19q13.2.
Variant type: Deletion.
Coding change: c.5424del on transcript NM_001386298.1 (MANE Select); coding-DNA position 5424, one base deleted (A; older notation c.5424delA).
Protein change: p.Ala1809fs; shifts the reading frame from alanine 1809.
Molecular consequence: frameshift variant.
Genome position (GRCh38, 1-based): chr19:42,291,465, A deleted; the last of 3 consecutive A bases (chr19:42,291,463-42,291,465); deleting any one gives the same sequence. VCF-style (leftmost placement, unchanged base first): chr19-42291462-CA-C. GRCh37 (hg19) VCF-style: chr19-42795614-CA-C.
Other names: c.5424del, p.Ala1809fs (NM_001304815.2, NM_001379480.1, NM_001379482.1); c.5424delA, p.Ala1809Profs (NM_001379483.1); c.2697del, p.Ala900fs (NM_001379484.1, NM_001379485.1, NM_015125.5); short protein forms A1809fs, A900fs.
Identifiers: ClinVar variation 1723880 (VCV001723880.1), dbSNP rs2513973253, ClinGen allele CA2580097355.

ClinVar aggregate classification (germline): Likely pathogenic (1 of 4 stars; one submission).

Conditions:
Intellectual developmental disorder, autosomal dominant 45. Also called: MENTAL RETARDATION, AUTOSOMAL DOMINANT 45; Intellectual disability, autosomal dominant 45. Identifiers: MedGen C4539848, MONDO:0030910, OMIM 617600.

Submission:

Center for Human Genetics and Genomic Medicine, Uniklinik Rwth Aachen
Classification: Likely pathogenic for Intellectual developmental disorder, autosomal dominant 45. Last evaluated: 2022-10-04. Review status: criteria provided, single submitter. Criteria: ACMG Guidelines, 2015. Collection method: clinical testing. Allele origin: unknown. Inheritance: Autosomal dominant inheritance. Affected: yes. Observed: 1 heterozygote.
Comment: The variant is not listed in control collectives (gnomAD). It has not yet been described in the literature or in the ClinVar database (as of October 4th, 2022). The change leads to a shift in the reading frame and thus in all likelihood to premature termination of the protein. The variant is currently to be regarded as a "likely pathogenic variant" (ACMG criteria).